The following is an entry in ClinVar:

ClinVar aggregate classification (germline): Pathogenic (1 of 4 stars; one submission).

Submission:

Labcorp Genetics (formerly Invitae), Labcorp
Classification: Pathogenic. Last evaluated: 2023-10-22. Review status: criteria provided, single submitter. Criteria: Invitae Variant Classification Sherloc (09022015). Collection method: clinical testing. Allele origin: germline.
Comment: This sequence change creates a premature translational stop signal (p.Trp3438*) in the DNAH9 gene. It is expected to result in an absent or disrupted protein product. Loss-of-function variants in DNAH9 are known to be pathogenic (PMID: 30471718). This variant is not present in population databases (gnomAD no frequency). This variant has not been reported in the literature in individuals affected with DNAH9-related conditions. For these reasons, this variant has been classified as Pathogenic.

Literature cited by the submitters: PubMed 30471718.

NM_001372.4(DNAH9):c.10314G>A (p.Trp3438Ter)

Genes: DNAH9 (dynein axonemal heavy chain 9; plus strand), LOC101928350 (uncharacterized LOC101928350; minus strand). Cytogenetic location: 17p12.
Variant type: single nucleotide variant.
Coding change: c.10314G>A on transcript NM_001372.4 (MANE Select); coding-DNA position 10314, G replaced by A.
Protein change: p.Trp3438Ter; replaces tryptophan 3438 with a stop codon.
Molecular consequence: nonsense. On other transcripts: non-coding transcript variant (1).
Genome position (GRCh38, 1-based): chr17:11,875,020, G>A. VCF-style: chr17-11875020-G-A. GRCh37 (hg19) VCF-style: chr17-11778337-G-A.
Other names: short protein forms W3438*.
Identifiers: ClinVar variation 2742243 (VCV002742243.3), dbSNP rs2544804417, ClinGen allele CA398196828.